The following is an entry in ClinVar:

NM_000059.4(BRCA2):c.4894_4895del (p.Ser1632fs)

Gene: BRCA2 (BRCA2 DNA repair associated; plus strand). Cytogenetic location: 13q13.1.
Variant type: Deletion.
Coding change: c.4894_4895del on transcript NM_000059.4 (MANE Select); coding-DNA positions 4894 to 4895, 2 bases deleted (AG; older notation c.4894_4895delAG).
Protein change: p.Ser1632fs; shifts the reading frame from serine 1632.
Molecular consequence: frameshift variant.
Genome position (GRCh38, 1-based): chr13:32,339,249-32,339,250, AG deleted. VCF-style (leftmost placement, unchanged base first): chr13-32339248-AAG-A. GRCh37 (hg19) VCF-style: chr13-32913385-AAG-A.
Other names: 5122_5123delAG; c.4894_4895delAG (NM_000059.3).
Identifiers: ClinVar variation 51735 (VCV000051735.16), dbSNP rs397507748, ClinGen allele CA020961.
Genomic context (GRCh38, chr13:32,339,248, plus strand): 5'-GCCACCTAAGCTCTTAAGTGATAATTTATGTAGACAAACTGAAAATCTCAAAACATCAAA[AAG>A]TATCTTTTTGAAAGTTAAAGTACATGAAAATGTAGAAAAAGAAACAGCAAAAAGTCCTGC-3'

ClinVar aggregate classification (germline): Pathogenic. Review status: reviewed by expert panel (3 of 4 stars). 5 submissions from 5 submitters: Pathogenic (1). 4 of the submissions do not count toward it. Last evaluated 2016-10-18.

Conditions:
Hereditary breast ovarian cancer syndrome. Also called: Breast and ovarian cancer; BRCA1- and BRCA2-Associated Hereditary Breast and Ovarian Cancer; Hereditary breast and ovarian cancer syndrome (HBOC); Hereditary breast and/or ovarian cancer syndrome; Hereditary breast and ovarian cancer; Hereditary breast and ovarian cancer syndrome. Identifiers: Orphanet 145, MedGen C0677776, MeSH D061325, MONDO:0003582. Disease mechanism: loss of function.
Breast-ovarian cancer, familial, susceptibility to, 2 (BROVCA2). Also called: BRCA2 Hereditary Breast and Ovarian Cancer. Identifiers: Orphanet 145, MedGen C2675520, MONDO:0012933, OMIM 612555. Disease mechanism: loss of function.

Submissions (5):

Evidence-based Network for the Interpretation of Germline Mutant Alleles (ENIGMA)
Classification: Pathogenic for Breast-ovarian cancer, familial, susceptibility to, 2. Last evaluated: 2016-10-18. Review status: reviewed by expert panel. Criteria: ENIGMA BRCA1/2 Classification Criteria (2015). Collection method: curation. Allele origin: germline.
Comment: Variant allele predicted to encode a truncated non-functional protein.

GeneDx
Classification: Pathogenic. Last evaluated: 2023-09-26. Review status: criteria provided, single submitter. Criteria: GeneDx Variant Classification Process June 2021. Collection method: clinical testing. Allele origin: germline. Not counted in ClinVar's aggregate classification.
Comment: Frameshift variant predicted to result in protein truncation or nonsense mediated decay in a gene for which loss of function is a known mechanism of disease; Observed in an individual with breast cancer (Seong et al., 2009); Truncating variants in this gene are considered pathogenic by a well-established clinical consortium and/or database; Not observed at significant frequency in large population cohorts (gnomAD); Also known as 5122_5123del; This variant is associated with the following publications: (PMID: 22798144, 26933808, 20104584, 25863477, 19656164)

Labcorp Genetics (formerly Invitae), Labcorp
Classification: Pathogenic for Hereditary breast ovarian cancer syndrome. Last evaluated: 2019-12-20. Review status: criteria provided, single submitter. Criteria: Invitae Variant Classification Sherloc (09022015). Collection method: clinical testing. Allele origin: germline. Not counted in ClinVar's aggregate classification.
Comment: This variant has been observed in individual(s) with BRCA2-related conditions (PMID: 19656164, 22798144). ClinVar contains an entry for this variant (Variation ID: 51735). For these reasons, this variant has been classified as Pathogenic. Loss-of-function variants in BRCA2 are known to be pathogenic (PMID: 20104584). This variant is not present in population databases (ExAC no frequency). This sequence change creates a premature translational stop signal (p.Ser1632Tyrfs*6) in the BRCA2 gene. It is expected to result in an absent or disrupted protein product.

Women's Health and Genetics/Laboratory Corporation of America, LabCorp
Classification: Likely pathogenic for Hereditary breast and ovarian cancer syndrome. Last evaluated: 2018-08-31. Review status: criteria provided, single submitter. Criteria: LabCorp Variant Classification Summary - May 2015. Collection method: clinical testing. Allele origin: germline. Not counted in ClinVar's aggregate classification.
Comment: Variant summary: BRCA2 c.4894_4895delAG (p.Ser1632TyrfsX6) results in a premature termination codon, predicted to cause a truncation of the encoded protein or absence of the protein due to nonsense mediated decay, which are commonly known mechanisms for disease. Truncations downstream of this position have been classified as pathogenic by our laboratory (e.g. p.Glu1646fsX23, p.Tyr1655X and p.Val1681fsX7). The variant was absent in 119866 control chromosomes (ExAC and publication data). c.4894_4895delAG has been reported in the literature in individuals affected with Hereditary Breast and Ovarian Cancer (Seong 2009, Kim 2012). These data indicate that the variant may be associated with disease. To our knowledge, no experimental evidence demonstrating an impact on protein function has been reported. Two other clinical diagnostic laboratories have submitted clinical-significance assessments for this variant to ClinVar after 2014 and both classified the variant as pathogenic. Based on the evidence outlined above, the variant was classified as likely pathogenic.

Consortium of Investigators of Modifiers of BRCA1/2 (CIMBA), c/o University of Cambridge
Classification: Pathogenic for Breast-ovarian cancer, familial, susceptibility to, 2. Last evaluated: 2015-10-02. Review status: criteria provided, single submitter. Criteria: CIMBA Mutation Classification guidelines May 2016. Collection method: clinical testing. Allele origin: germline. Not counted in ClinVar's aggregate classification.

Literature cited by the submitters: PubMed 19656164 (cited by Labcorp Genetics (formerly Invitae), Labcorp and Women's Health and Genetics/Laboratory Corporation of America, LabCorp); PubMed 22798144 (cited by Labcorp Genetics (formerly Invitae), Labcorp and Women's Health and Genetics/Laboratory Corporation of America, LabCorp); PubMed 20104584 (cited by Labcorp Genetics (formerly Invitae), Labcorp); PubMed 25863477 (cited by Women's Health and Genetics/Laboratory Corporation of America, LabCorp).